The following is an entry in ClinVar:

NM_001163435.3(TBCK):c.272C>A (p.Ser91Ter)

Gene: TBCK (TBC1 domain containing kinase; minus strand). Cytogenetic location: 4q24.
Variant type: single nucleotide variant.
Coding change: c.272C>A on transcript NM_001163435.3 (MANE Select); coding-DNA position 272, C replaced by A.
Protein change: p.Ser91Ter; replaces serine 91 with a stop codon.
Molecular consequence: nonsense. On other transcripts: 5 prime UTR variant (1), intron variant (1).
Genome position (GRCh38, 1-based): chr4:106,262,207, G>T on the plus strand (C>A on the coding strand, the complement: TBCK is on the minus strand). VCF-style: chr4-106262207-G-T. GRCh37 (hg19) VCF-style: chr4-107183364-G-T.
Other names: c.272C>A, p.Ser91Ter (NM_001163436.4, NM_001163437.3); c.-346C>A (NM_001290768.2); c.267-10200C>A (NM_033115.5); short protein forms S91*.
Identifiers: ClinVar variation 4974977 (VCV004974977.1).

ClinVar aggregate classification (germline): Likely pathogenic (1 of 4 stars; one submission).

Conditions:
Hypotonia, infantile, with psychomotor retardation and characteristic facies 3 (IHPRF3). Also called: TBCK-Related Neurodevelopmental Disorder. Identifiers: Orphanet 488632, MedGen C5567480, MONDO:0014823, OMIM 616900.

gnomAD v4.1: 1 of 1,532,128 alleles (0.000065%); highest among the groups gnomAD compares: South Asian, 0.0012%; no homozygotes.

Submission:

Diagnostics Services (NGS), CSIR - Centre For Cellular And Molecular Biology
Classification: Likely pathogenic for Hypotonia, infantile, with psychomotor retardation and characteristic facies 3. Last evaluated: 2026-08-06. Review status: criteria provided, single submitter. Criteria: ACMG Guidelines, 2015. Collection method: clinical testing. Allele origin: germline. Affected: no. Observed: 1 variant allele, 1 heterozygote.